The following is an entry in ClinVar:

ClinVar aggregate classification (germline): Uncertain significance (1 of 4 stars; one submission).

Conditions:
Inborn genetic diseases. Identifiers: MedGen C0950123, MeSH D030342.

Allele frequency attached by ClinVar (database versions not stated): TOPMed below 0.00001.

Submission:

Ambry Genetics
Classification: Uncertain significance for Inborn genetic diseases. Last evaluated: 2023-02-18. Review status: criteria provided, single submitter. Criteria: Ambry Variant Classification Scheme 2023. Collection method: clinical testing. Allele origin: germline.
Comment: The p.N598S variant (also known as c.1793A>G), located in coding exon 15 of the BUB1B gene, results from an A to G substitution at nucleotide position 1793. The asparagine at codon 598 is replaced by serine, an amino acid with highly similar properties. This amino acid position is conserved. In addition, this alteration is predicted to be tolerated by in silico analysis. Since supporting evidence is limited at this time, the clinical significance of this alteration remains unclear.

NM_001211.6(BUB1B):c.1793A>G (p.Asn598Ser)

Gene: BUB1B (BUB1 mitotic checkpoint serine/threonine kinase B; plus strand). Cytogenetic location: 15q15.1.
Variant type: single nucleotide variant.
Coding change: c.1793A>G on transcript NM_001211.6 (MANE Select); coding-DNA position 1793, A replaced by G.
Protein change: p.Asn598Ser; replaces asparagine 598 with serine.
Molecular consequence: missense variant.
Genome position (GRCh38, 1-based): chr15:40,206,242, A>G. VCF-style: chr15-40206242-A-G. GRCh37 (hg19) VCF-style: chr15-40498443-A-G.
Other names: short protein forms N598S.
Identifiers: ClinVar variation 2450840 (VCV002450840.2), dbSNP rs965218077, ClinGen allele CA268798066.